The following is an entry in ClinVar:

ClinVar aggregate classification (germline): Uncertain significance (1 of 4 stars; one submission).

Submission:

Labcorp Genetics (formerly Invitae), Labcorp
Classification: Uncertain significance. Last evaluated: 2024-08-13. Review status: criteria provided, single submitter. Criteria: Invitae Variant Classification Sherloc (09022015). Collection method: clinical testing. Allele origin: germline.
Comment: This sequence change replaces leucine, which is neutral and non-polar, with methionine, which is neutral and non-polar, at codon 239 of the DDX3X protein (p.Leu239Met). This variant is not present in population databases (gnomAD no frequency). This variant has not been reported in the literature in individuals affected with DDX3X-related conditions. Experimental studies and prediction algorithms are not available or were not evaluated, and the functional significance of this variant is currently unknown. In summary, the available evidence is currently insufficient to determine the role of this variant in disease. Therefore, it has been classified as a Variant of Uncertain Significance.

NM_001356.5(DDX3X):c.715T>A (p.Leu239Met)

Gene: DDX3X (DEAD-box helicase 3 X-linked; plus strand). Cytogenetic location: Xp11.4.
Variant type: single nucleotide variant.
Coding change: c.715T>A on transcript NM_001356.5 (MANE Select); coding-DNA position 715, T replaced by A.
Protein change: p.Leu239Met; replaces leucine 239 with methionine.
Molecular consequence: missense variant. On other transcripts: non-coding transcript variant (1).
Genome position (GRCh38, 1-based): chrX:41,343,772, T>A. VCF-style: chrX-41343772-T-A. GRCh37 (hg19) VCF-style: chrX-41203025-T-A.
Other names: c.715T>A, p.Leu239Met (NM_001193416.3); c.667T>A, p.Leu223Met (NM_001193417.3); c.157T>A, p.Leu53Met (NM_001363819.1); short protein forms L223M, L239M, L53M.
Identifiers: ClinVar variation 3656921 (VCV003656921.2).
Genomic context (GRCh38, chrX:41,343,772, plus strand): 5'-GATTTGTTTGTTTGTTTTTGAACAGGGTCTGGAAAAACTGCAGCATTTCTGTTGCCCATC[T>A]TGAGTCAGATTTATTCAGATGGTCCAGGCGAGGCTTTGAGGGCCATGAAGGTAGATGTTT-3'
Protein context (NP_001347.3, residues 229-249): GKTAAFLLPI[Leu239Met]SQIYSDGPGE